The following is an entry in ClinVar:

NM_021930.6(RINT1):c.1427C>T (p.Pro476Leu)

Gene: RINT1 (RAD50 interactor 1; plus strand). Cytogenetic location: 7q22.3.
Variant type: single nucleotide variant.
Coding change: c.1427C>T on transcript NM_021930.6 (MANE Select); coding-DNA position 1427, C replaced by T.
Protein change: p.Pro476Leu; replaces proline 476 with leucine.
Molecular consequence: missense variant. On other transcripts: non-coding transcript variant (1).
Genome position (GRCh38, 1-based): chr7:105,551,663, C>T. VCF-style: chr7-105551663-C-T. GRCh37 (hg19) VCF-style: chr7-105192110-C-T.
Other names: c.1193C>T, p.Pro398Leu (NM_001346599.2); c.404C>T, p.Pro135Leu (NM_001346600.2, NM_001346603.2); c.503C>T, p.Pro168Leu (NM_001346601.2); short protein forms P168L, P476L, P135L, P398L.
Identifiers: ClinVar variation 5028275 (VCV005028275.1).

ClinVar aggregate classification (germline): Uncertain significance (1 of 4 stars; one submission).

gnomAD v4.1: 1 of 1,611,984 alleles (0.000062%); highest among the groups gnomAD compares: Non-Finnish European, 0.000085%; no homozygotes.

Submission:

Ambry Genetics
Classification: Uncertain significance. Last evaluated: 2026-07-08. Review status: criteria provided, single submitter. Criteria: Ambry Variant Classification Scheme 2023. Collection method: clinical testing. Allele origin: germline.
Comment: The p.P476L variant (also known as c.1427C>T), located in coding exon 10 of the RINT1 gene, results from a C to T substitution at nucleotide position 1427. The proline at codon 476 is replaced by leucine, an amino acid with similar properties. This amino acid position is conserved. In addition, this alteration is predicted to be deleterious by in silico analysis. Based on the available evidence, the clinical significance of this variant remains unclear.